The following is an entry in ClinVar:

NM_002661.5(PLCG2):c.2515-3C>A

Gene: PLCG2 (phospholipase C gamma 2; plus strand). Cytogenetic location: 16q23.3.
Variant type: single nucleotide variant.
Coding change: c.2515-3C>A on transcript NM_002661.5 (MANE Select); 3 bases into the intron before coding-DNA position 2515, C replaced by A.
Molecular consequence: intron variant.
Genome position (GRCh38, 1-based): chr16:81,928,555, C>A. VCF-style: chr16-81928555-C-A. GRCh37 (hg19) VCF-style: chr16-81962160-C-A.
Identifiers: ClinVar variation 2969183 (VCV002969183.3), dbSNP rs751118241, ClinGen allele CA8194336.
Genomic context (GRCh38, chr16:81,928,555, plus strand): 5'-AACGGGTTTTCTTTTTATTATTCCCGTTACAACTAACGTGAGTTATGTCTTGTTTCTTCA[C>A]AGATTATTGAAGACAATCCCTTAGGGTCTCTTTGCAGAGGAATATTGGACCTCAATACCT-3'

ClinVar aggregate classification (germline): Uncertain significance (1 of 4 stars; one submission).

Conditions:
Familial cold autoinflammatory syndrome 3 (FCAS3). Also called: FAMILIAL ATYPICAL COLD URTICARIA; ANTIBODY DEFICIENCY AND IMMUNE DYSREGULATION, PLCG2-ASSOCIATED. Identifiers: Orphanet 300359, MedGen C3280914, MONDO:0013766, OMIM 614468.

Allele frequency attached by ClinVar (database versions not stated): gnomAD exomes below 0.00001; ExAC 0.00001.
gnomAD v4.1: 1 of 1,589,344 alleles (0.000063%); highest among the groups gnomAD compares: Non-Finnish European, 0.000086%; no homozygotes.

Submission:

Labcorp Genetics (formerly Invitae), Labcorp
Classification: Uncertain significance for Familial cold autoinflammatory syndrome 3. Last evaluated: 2023-07-25. Review status: criteria provided, single submitter. Criteria: Invitae Variant Classification Sherloc (09022015). Collection method: clinical testing. Allele origin: germline.
Comment: In summary, the available evidence is currently insufficient to determine the role of this variant in disease. Therefore, it has been classified as a Variant of Uncertain Significance. Variants that disrupt the consensus splice site are a relatively common cause of aberrant splicing (PMID: 17576681, 9536098). Algorithms developed to predict the effect of sequence changes on RNA splicing suggest that this variant is not likely to affect RNA splicing. This variant has not been reported in the literature in individuals affected with PLCG2-related conditions. This variant is present in population databases (rs751118241, gnomAD 0.0009%). This sequence change falls in intron 23 of the PLCG2 gene. It does not directly change the encoded amino acid sequence of the PLCG2 protein. It affects a nucleotide within the consensus splice site.

Literature cited by the submitters: PubMed 17576681; PubMed 9536098.